The following is an entry in ClinVar:

ClinVar aggregate classification (germline): Conflicting classifications of pathogenicity. Review status: criteria provided, conflicting classifications (1 of 4 stars). 2 submissions from 2 submitters: Uncertain significance (1); Likely benign (1). Last evaluated 2025-02-01.

Allele frequency attached by ClinVar (database versions not stated): gnomAD 0.00001; TOPMed 0.00002; gnomAD exomes 0.00003.
gnomAD v4.1: 46 of 1,614,098 alleles (0.0028%); highest among the groups gnomAD compares: Non-Finnish European, 0.0036%; no homozygotes.

Submissions (2):

CeGaT Center for Human Genetics Tuebingen
Classification: Likely benign. Last evaluated: 2025-02-01. Review status: criteria provided, single submitter. Criteria: CeGaT Center For Human Genetics Tuebingen Variant Classification Criteria Version 2. Collection method: clinical testing. Allele origin: germline. Affected: yes. Observed: 1 variant allele.
Comment: SRCAP: BS2

Labcorp Genetics (formerly Invitae), Labcorp
Classification: Uncertain significance. Last evaluated: 2022-09-01. Review status: criteria provided, single submitter. Criteria: Invitae Variant Classification Sherloc (09022015). Collection method: clinical testing. Allele origin: germline.
Comment: This variant is present in population databases (no rsID available, gnomAD 0.0009%). This sequence change replaces proline, which is neutral and non-polar, with leucine, which is neutral and non-polar, at codon 1696 of the SRCAP protein (p.Pro1696Leu). This variant has not been reported in the literature in individuals affected with SRCAP-related conditions. In summary, the available evidence is currently insufficient to determine the role of this variant in disease. Therefore, it has been classified as a Variant of Uncertain Significance. Algorithms developed to predict the effect of missense changes on protein structure and function are either unavailable or do not agree on the potential impact of this missense change (SIFT: "Deleterious"; PolyPhen-2: "Possibly Damaging"; Align-GVGD: "Class C0").

NM_006662.3(SRCAP):c.5087C>T (p.Pro1696Leu)

Gene: SRCAP (Snf2 related CREBBP activator protein; plus strand). Cytogenetic location: 16p11.2.
Variant type: single nucleotide variant.
Coding change: c.5087C>T on transcript NM_006662.3 (MANE Select); coding-DNA position 5087, C replaced by T.
Protein change: p.Pro1696Leu; replaces proline 1696 with leucine.
Molecular consequence: missense variant.
Genome position (GRCh38, 1-based): chr16:30,724,511, C>T. VCF-style: chr16-30724511-C-T. GRCh37 (hg19) VCF-style: chr16-30735832-C-T.
Other names: short protein forms P1696L.
Identifiers: ClinVar variation 2069353 (VCV002069353.17), dbSNP rs905140253, ClinGen allele CA280513624.